The following is an entry in ClinVar:

ClinVar aggregate classification (germline): Conflicting classifications of pathogenicity. Review status: criteria provided, conflicting classifications (1 of 4 stars). 7 submissions from 7 submitters: Uncertain significance (3); Likely benign (4). Last evaluated 2025-10-26.

Conditions:
PLEC-related disorder. Also called: PLEC-related disorders; PLEC-related condition.
Autosomal recessive limb-girdle muscular dystrophy type 2Q (LGMDR17). Also called: MUSCULAR DYSTROPHY, LIMB-GIRDLE, AUTOSOMAL RECESSIVE 17. Identifiers: Orphanet 254361, MedGen C3150989, MONDO:0013390, OMIM 613723.
Epidermolysis bullosa simplex with nail dystrophy (EBS5D). Identifiers: MedGen C4225309, MONDO:0014661, OMIM 616487.
Epidermolysis bullosa simplex 5C, with pyloric atresia (EBS5C). Also called: PLEC-Related Epidermolysis Bullosa with Pyloric Atresia; Epidermolysis bullosa simplex with pyloric atresia; PLEC1-Related Epidermolysis Bullosa with Pyloric Atresia. Identifiers: Orphanet 158684, MedGen C2677349, MONDO:0012807, OMIM 612138.
Epidermolysis bullosa simplex, Ogna type (EBS5A). Also called: Pidermolysis bullosa simplex 5A, Ogna type; EPIDERMOLYSIS BULLOSA SIMPLEX 5A, OGNA TYPE. Identifiers: Orphanet 79401, MedGen C0432317, MONDO:0007555, OMIM 131950.
Epidermolysis bullosa simplex 5B, with muscular dystrophy (EBS5B). Also called: EPIDERMOLYSIS BULLOSA SIMPLEX AND LIMB-GIRDLE MUSCULAR DYSTROPHY; Epidermolysis bullosa simplex with muscular dystrophy. Identifiers: Orphanet 257, MedGen C2931072, MONDO:0009181, OMIM 226670.
Inborn genetic diseases. Identifiers: MedGen C0950123, MeSH D030342.

Allele frequency attached by ClinVar (database versions not stated): TOPMed 0.00005; gnomAD 0.00035 and 0.00036; ExAC 0.00063; gnomAD exomes 0.00017 and 0.00033; 1000 Genomes Project 30x 0.00031.
gnomAD v4.1: 294 of 1,559,742 alleles (0.019%); highest among the groups gnomAD compares: Middle Eastern, 0.018%; 1 homozygote.

Submissions (7):

Labcorp Genetics (formerly Invitae), Labcorp
Classification: Likely benign for Autosomal recessive limb-girdle muscular dystrophy type 2Q; Epidermolysis bullosa simplex, Ogna type; Epidermolysis bullosa simplex with nail dystrophy; Epidermolysis bullosa simplex 5C, with pyloric atresia; Epidermolysis bullosa simplex 5B, with muscular dystrophy. Last evaluated: 2025-10-26. Review status: criteria provided, single submitter. Criteria: Invitae Variant Classification Sherloc (09022015). Collection method: clinical testing. Allele origin: germline.

PreventionGenetics, part of Exact Sciences
Classification: Likely benign for PLEC-related condition. Last evaluated: 2025-07-23. Review status: criteria provided, single submitter. Criteria: ACMG Guidelines, 2015. Collection method: clinical testing. Allele origin: germline.
Comment: This variant is classified as likely benign based on ACMG/AMP sequence variant interpretation guidelines (Richards et al. 2015 PMID: 25741868, with internal and published modifications).

Athena Diagnostics
Classification: Likely benign. Last evaluated: 2024-12-23. Review status: criteria provided, single submitter. Criteria: Athena Diagnostics Criteria. Collection method: clinical testing. Allele origin: unknown.
Comment: The frequency of this variant in the general population is higher than would generally be expected for pathogenic variants in this gene. Computational tools predict this amino acid change may be benign.

Blueprint Genetics
Classification: Likely benign. Last evaluated: 2024-10-14. Review status: criteria provided, single submitter. Criteria: ACMG Guidelines, 2015. Collection method: clinical testing. Allele origin: germline.

Ambry Genetics
Classification: Uncertain significance for Inborn genetic diseases. Last evaluated: 2023-02-27. Review status: criteria provided, single submitter. Criteria: Ambry Variant Classification Scheme 2023. Collection method: clinical testing. Allele origin: germline.

Revvity Omics, Revvity
Classification: Uncertain significance. Last evaluated: 2019-07-05. Review status: criteria provided, single submitter. Criteria: ACMG Guidelines, 2015. Collection method: clinical testing. Allele origin: germline.

Eurofins Ntd Llc (ga)
Classification: Uncertain significance. Last evaluated: 2017-05-08. Review status: criteria provided, single submitter. Criteria: EGL Classification Definitions 2015. Collection method: clinical testing. Allele origin: germline. Observed: 1 variant allele, 1 heterozygote.

Literature cited by the submitters: PubMed 29391253 (cited by Athena Diagnostics).

NM_201384.3(PLEC):c.6266C>T (p.Ala2089Val)

Gene: PLEC (plectin; minus strand). Cytogenetic location: 8q24.3.
Variant type: single nucleotide variant.
Coding change: c.6266C>T on transcript NM_201384.3 (MANE Select); coding-DNA position 6266, C replaced by T.
Protein change: p.Ala2089Val; replaces alanine 2089 with valine.
Molecular consequence: missense variant.
Genome position (GRCh38, 1-based): chr8:143,923,663, G>A on the plus strand (C>T on the coding strand, the complement: PLEC is on the minus strand). VCF-style: chr8-143923663-G-A. GRCh37 (hg19) VCF-style: chr8-144997831-G-A.
Other names: c.6347C>T, p.Ala2116Val (NM_000445.5); c.6224C>T, p.Ala2075Val (NM_201378.4); c.6200C>T, p.Ala2067Val (NM_201379.3); c.6677C>T, p.Ala2226Val (NM_201380.4); c.6170C>T, p.Ala2057Val (NM_201381.3); c.6266C>T, p.Ala2089Val (NM_201382.4); c.6278C>T, p.Ala2093Val (NM_201383.3); short protein forms A2057V, A2067V, A2075V, A2089V, A2093V, A2116V, A2226V.
Identifiers: ClinVar variation 448076 (VCV000448076.21), dbSNP rs782278608, ClinGen allele CA4926060.